The following is an entry in ClinVar:

ClinVar aggregate classification (germline): Pathogenic. Review status: criteria provided, multiple submitters, no conflicts (2 of 4 stars). 5 submissions from 5 submitters: Pathogenic (3). 2 of the submissions do not count toward it. Last evaluated 2024-02-05.

Conditions:
Congenital adrenal insufficiency with 46, XY sex reversal OR 46,XY disorder of sex development-adrenal insufficiency due to CYP11A1 deficiency. Also called: Congenital adrenal insuffiency with 46, XY sex reversal OR 46,XY disorder of sex development-adrenal insufficiency due to CYP11A1 deficiency; P450scc DEFICIENCY. Identifiers: Orphanet 168558, MedGen C3151055, MONDO:0013400, OMIM 613743.
CYP11A1-related disorder. Also called: CYP11A1-related condition.

Allele frequency attached by ClinVar (database versions not stated): ExAC 0.00002; gnomAD exomes 0.00003 and 0.00005; TOPMed 0.00005; gnomAD 0.00007; ESP Exome Variant Server 0.00008.

Submissions (5):

Labcorp Genetics (formerly Invitae), Labcorp
Classification: Pathogenic. Last evaluated: 2024-02-05. Review status: criteria provided, single submitter. Criteria: Invitae Variant Classification Sherloc (09022015). Collection method: clinical testing. Allele origin: germline.
Comment: This sequence change creates a premature translational stop signal (p.Ile279Tyrfs*10) in the CYP11A1 gene. It is expected to result in an absent or disrupted protein product. Loss-of-function variants in CYP11A1 are known to be pathogenic (PMID: 15507506, 22435390, 27855232, 229968487). This variant is present in population databases (rs757299093, gnomAD 0.006%). This premature translational stop signal has been observed in individual(s) with adrenal insufficiency due to SCC enzyme deficiency (PMID: 15507506). ClinVar contains an entry for this variant (Variation ID: 265094). For these reasons, this variant has been classified as Pathogenic.

Fulgent Genetics
Classification: Pathogenic for Congenital adrenal insufficiency with 46, XY sex reversal OR 46,XY disorder of sex development-adrenal insufficiency due to CYP11A1 deficiency. Last evaluated: 2023-12-22. Review status: criteria provided, single submitter. Criteria: ACMG Guidelines, 2015. Collection method: clinical testing. Allele origin: germline.

GeneDx
Classification: Pathogenic. Last evaluated: 2016-03-09. Review status: criteria provided, single submitter. Criteria: GeneDx Variant Classification (06012015). Collection method: clinical testing. Allele origin: germline. Affected: yes.
Comment: The c.835delA pathogenic variant in the CYP11A1 gene has been reported in the homozygous state in an individual with severe adrenal failure and complete 46,XY sex reversal (Hiort et al., 2005). The c.835delA variant was not observed with any significant frequency in approximately 6500 individuals of European and African American ancestry in the NHLBI Exome Sequencing Project, indicating it is not a common benign variant in these populations. The c.835delA variant causes a frameshift starting with codon Isoleucine 279, changes this amino acid to a Tyrosine residue and creates a premature Stop codon at position 10 of the new reading frame, denoted p.Ile279TyrfsX10. This variant is predicted to cause loss of normal protein function either through protein truncation or nonsense-mediated mRNA decay. Functional studies show that the c.835delA variant lacks detectable enzymatic activity (Tee et al., 2013). We interpret c.835delA as a pathogenic variant.

PreventionGenetics, part of Exact Sciences
Classification: Pathogenic for CYP11A1-related condition. Last evaluated: 2024-03-15. Review status: no assertion criteria provided. Collection method: clinical testing. Allele origin: germline. Not counted in ClinVar's aggregate classification.
Comment: The CYP11A1 c.835delA variant is predicted to result in a frameshift and premature protein termination (p.Ile279Tyrfs*10). This variant has been reported to be pathogenic for XY sex reversal and adrenal insufficiency (see for example at Hiort et al. 2005. PubMed ID: 15507506; Tee et al. 2013. PubMed ID: 23337730). This variant is reported in 0.0062% of alleles in individuals of European (Non-Finnish) descent in gnomAD. Frameshift variants in CYP11A1 are expected to be pathogenic. This variant is interpreted as pathogenic.

OMIM
Classification: Pathogenic for ADRENAL INSUFFICIENCY, CONGENITAL, WITH 46,XY SEX REVERSAL, PARTIAL OR COMPLETE. Last evaluated: 2011-03-01. Review status: no assertion criteria provided. Collection method: literature only. Allele origin: germline. Not counted in ClinVar's aggregate classification.

Literature cited by the submitters: PubMed 15507506 (cited by Labcorp Genetics (formerly Invitae), Labcorp and OMIM); PubMed 22435390 (cited by Labcorp Genetics (formerly Invitae), Labcorp); PubMed 27855232 (cited by Labcorp Genetics (formerly Invitae), Labcorp); PubMed 229968487 (cited by Labcorp Genetics (formerly Invitae), Labcorp); PubMed 18182448 (cited by OMIM); PubMed 21159840 (cited by OMIM).

NM_000781.3(CYP11A1):c.835del (p.Ile279fs)

Gene: CYP11A1 (cytochrome P450 family 11 subfamily A member 1; minus strand). Cytogenetic location: 15q24.1.
Variant type: Deletion.
Coding change: c.835del on transcript NM_000781.3 (MANE Select); coding-DNA position 835, one base deleted (A; older notation c.835delA).
Protein change: p.Ile279fs; shifts the reading frame from isoleucine 279.
Molecular consequence: frameshift variant.
Genome position (GRCh38, 1-based): chr15:74,343,132, T deleted on the plus strand (A on the coding strand, the reverse complement: CYP11A1 is on the minus strand). VCF-style (leftmost placement, unchanged base first): chr15-74343131-AT-A. GRCh37 (hg19) VCF-style: chr15-74635472-AT-A.
Other names: c.361del, p.Ile121fs (NM_001099773.2); short protein forms I121fs, I279fs.
Identifiers: ClinVar variation 265094 (VCV000265094.7), dbSNP rs757299093, ClinGen allele CA7656448.